The following is an entry in ClinVar:

NM_152564.5(VPS13B):c.1757T>A (p.Leu586Ter)

Gene: VPS13B (vacuolar protein sorting 13 homolog B; plus strand). Cytogenetic location: 8q22.2.
Variant type: single nucleotide variant.
Coding change: c.1757T>A on transcript NM_152564.5 (MANE Select); coding-DNA position 1757, T replaced by A.
Protein change: p.Leu586Ter; replaces leucine 586 with a stop codon.
Molecular consequence: nonsense.
Genome position (GRCh38, 1-based): chr8:99,143,079, T>A. VCF-style: chr8-99143079-T-A. GRCh37 (hg19) VCF-style: chr8-100155307-T-A.
Other names: c.1757T>A, p.Leu586Ter (NM_017890.5, NM_015243.3); short protein forms L586*.
Identifiers: ClinVar variation 1075352 (VCV001075352.7), dbSNP rs2132581276, ClinGen allele CA371864011.

ClinVar aggregate classification (germline): Pathogenic (1 of 4 stars; one submission).

Conditions:
Cohen syndrome (COH1). Also called: PEPPER SYNDROME; Cutis verticis gyrata, retinitis pigmentosa, and sensorineural deafness. Identifiers: Orphanet 193, MedGen C0265223, MONDO:0008999, OMIM 216550.

Submission:

Labcorp Genetics (formerly Invitae), Labcorp
Classification: Pathogenic for Cohen syndrome. Last evaluated: 2020-08-03. Review status: criteria provided, single submitter. Criteria: Invitae Variant Classification Sherloc (09022015). Collection method: clinical testing. Allele origin: germline.
Comment: Algorithms developed to predict the effect of sequence changes on RNA splicing suggest that this variant may create or strengthen a splice site, but this prediction has not been confirmed by published transcriptional studies. This variant has not been reported in the literature in individuals with VPS13B-related conditions. This variant is not present in population databases (ExAC no frequency). This sequence change creates a premature translational stop signal (p.Leu586*) in the VPS13B gene. It is expected to result in an absent or disrupted protein product. Loss-of-function variants in VPS13B are known to be pathogenic (PMID: 15141358, 16648375, 20461111). For these reasons, this variant has been classified as Pathogenic.

Literature cited by the submitters: PubMed 15141358; PubMed 16648375; PubMed 20461111.